The following is an entry in ClinVar:

NC_000001.10:g.(?_20972033)_(20972236_?)del

Gene: PINK1 (PTEN induced kinase 1; plus strand). Cytogenetic location: 1p36.12.
Variant type: Deletion.
Identifiers: ClinVar variation 2427034 (VCV002427034.3).

ClinVar aggregate classification (germline): Pathogenic (1 of 4 stars; one submission).

Conditions:
Autosomal recessive early-onset Parkinson disease 6 (PARK6). Also called: PARKINSON DISEASE 6, EARLY-ONSET; PINK1-Related Parkinson Disease; PARKINSON DISEASE 6, MODIFIER OF; PINK1 Type of Young-Onset Parkinson Disease. Identifiers: Orphanet 2828, MedGen C1853833, MONDO:0011613, OMIM 605909.

Submission:

Labcorp Genetics (formerly Invitae), Labcorp
Classification: Pathogenic for Autosomal recessive early-onset Parkinson disease 6. Last evaluated: 2021-09-10. Review status: criteria provided, single submitter. Criteria: Invitae Variant Classification Sherloc (09022015). Collection method: clinical testing. Allele origin: germline.
Comment: This variant is a gross deletion of the genomic region encompassing exon(s) 5 of the PINK1 gene. This deletion is out-of-frame, and is expected to create a premature termination codon and result in an absent or disrupted protein product. Loss-of-function variants in PINK1 are known to be pathogenic (PMID: 15087508, 15349870). A similar copy number variant has been observed in individual(s) with early-onset Parkinson's disease (PMID: 23880019). It has also been observed to segregate with disease in related individuals. For these reasons, this variant has been classified as Pathogenic.

Literature cited by the submitters: PubMed 15087508; PubMed 15349870; PubMed 23880019.